The following is an entry in ClinVar:

ClinVar aggregate classification (germline): Likely benign (1 of 4 stars; one submission).

Allele frequency attached by ClinVar (database versions not stated): 1000 Genomes Project 30x 0.00125; 1000 Genomes Project 0.00140; gnomAD 0.00309 and 0.00337; TOPMed 0.00331.
gnomAD v4.1: 463 of 152,138 alleles (0.3%); highest among the groups gnomAD compares: African/African-American, 1.1%; 8 homozygotes.

Submission:

GeneDx
Classification: Likely benign. Last evaluated: 2018-06-14. Review status: criteria provided, single submitter. Criteria: GeneDx Variant Classification (06012015). Collection method: clinical testing. Allele origin: germline. Affected: yes.
Comment: This variant is considered likely benign or benign based on one or more of the following criteria: it is a conservative change, it occurs at a poorly conserved position in the protein, it is predicted to be benign by multiple in silico algorithms, and/or has population frequency not consistent with disease.

NM_001035.3(RYR2):c.7733+207A>G

Gene: RYR2 (ryanodine receptor 2; plus strand). Cytogenetic location: 1q43.
Variant type: single nucleotide variant.
Coding change: c.7733+207A>G on transcript NM_001035.3 (MANE Select); 207 bases into the intron after coding-DNA position 7733, A replaced by G.
Molecular consequence: intron variant.
Genome position (GRCh38, 1-based): chr1:237,650,304, A>G. VCF-style: chr1-237650304-A-G. GRCh37 (hg19) VCF-style: chr1-237813604-A-G.
Identifiers: ClinVar variation 676413 (VCV000676413.1), dbSNP rs373944249, ClinGen allele CA39798279.